The following is an entry in ClinVar:

ClinVar aggregate classification (germline): Likely pathogenic (1 of 4 stars; one submission).

gnomAD v4.1: 1 of 1,611,824 alleles (0.000062%); highest among the groups gnomAD compares: South Asian, 0.0011%; no homozygotes.

Submission:

Dasa
Classification: Likely pathogenic. Last evaluated: 2025-12-08. Review status: criteria provided, single submitter. Criteria: DASA Assertion Criteria. Collection method: clinical testing. Allele origin: germline.
Comment: NM_014339.7(IL17RA):c.423+1G>A affects a canonical splice site and is predicted to disrupt normal RNA splicing. Loss of function is an established disease mechanism for IL17RA-associated disorders. Also, this variant is rare in population databases. Based on the currently available evidence, this variant is classified as likely pathogenic.

NM_014339.7(IL17RA):c.423+1G>A

Gene: IL17RA (interleukin 17 receptor A; plus strand). Cytogenetic location: 22q11.1.
Variant type: single nucleotide variant.
Coding change: c.423+1G>A on transcript NM_014339.7 (MANE Select); the canonical splice donor site of the intron after coding-DNA position 423, G replaced by A.
Molecular consequence: splice donor variant.
Genome position (GRCh38, 1-based): chr22:17,098,888, G>A. VCF-style: chr22-17098888-G-A. GRCh37 (hg19) VCF-style: chr22-17579778-G-A.
Other names: c.423+1G>A (NM_001289905.2).
Identifiers: ClinVar variation 4884229 (VCV004884229.2).
Genomic context (GRCh38, chr22:17,098,888, plus strand): 5'-AATGAACGTTTGTGCGTCAGGTTTGAGTTTCTGTCCAAACTGAGGCATCACCACAGGCGG[G>A]TAAGAACACAGCTCCTGAGTGGATTATGTTCCACTGATGACACCAGTACAGACTTCTTGT-3'